The following is an entry in ClinVar:

ClinVar aggregate classification (germline): Uncertain significance (1 of 4 stars; one submission).

Conditions:
Nephronophthisis. Also called: Juvenile Nephronophthisis. Identifiers: Orphanet 655, MedGen C0687120, MONDO:0019005, HP:0000090.

Allele frequency attached by ClinVar (database versions not stated): TOPMed below 0.00001; gnomAD 0.00001.
gnomAD v4.1: 7 of 1,613,912 alleles (0.00043%); highest among the groups gnomAD compares: Non-Finnish European, 0.00059%; no homozygotes.

Submission:

Labcorp Genetics (formerly Invitae), Labcorp
Classification: Uncertain significance for Nephronophthisis. Last evaluated: 2022-07-19. Review status: criteria provided, single submitter. Criteria: Invitae Variant Classification Sherloc (09022015). Collection method: clinical testing. Allele origin: germline.
Comment: In summary, the available evidence is currently insufficient to determine the role of this variant in disease. Therefore, it has been classified as a Variant of Uncertain Significance. Algorithms developed to predict the effect of missense changes on protein structure and function (SIFT, PolyPhen-2, Align-GVGD) all suggest that this variant is likely to be tolerated. ClinVar contains an entry for this variant (Variation ID: 1510034). This variant has not been reported in the literature in individuals affected with NPHP3-related conditions. This variant is present in population databases (no rsID available, gnomAD 0.0009%). This sequence change replaces alanine, which is neutral and non-polar, with glycine, which is neutral and non-polar, at codon 236 of the NPHP3 protein (p.Ala236Gly).

NM_153240.5(NPHP3):c.707C>G (p.Ala236Gly)

Genes: NPHP3 (nephrocystin 3; minus strand), NPHP3-ACAD11 (NPHP3-ACAD11 readthrough (NMD candidate); minus strand). Cytogenetic location: 3q22.1.
Variant type: single nucleotide variant.
Coding change: c.707C>G on transcript NM_153240.5 (MANE Select); coding-DNA position 707, C replaced by G.
Protein change: p.Ala236Gly; replaces alanine 236 with glycine.
Molecular consequence: missense variant. On other transcripts: non-coding transcript variant (1).
Genome position (GRCh38, 1-based): chr3:132,716,873, G>C on the plus strand (C>G on the coding strand, the complement: NPHP3 is on the minus strand). VCF-style: chr3-132716873-G-C. GRCh37 (hg19) VCF-style: chr3-132435717-G-C.
Other names: short protein forms A236G.
Identifiers: ClinVar variation 1510034 (VCV001510034.6), dbSNP rs1488359125, ClinGen allele CA354586583.